The following is an entry in ClinVar:

NM_007294.4(BRCA1):c.1199A>T (p.Asp400Val)

Gene: BRCA1 (BRCA1 DNA repair associated; minus strand). Cytogenetic location: 17q21.31.
Variant type: single nucleotide variant.
Coding change: c.1199A>T on transcript NM_007294.4 (MANE Select); coding-DNA position 1199, A replaced by T.
Protein change: p.Asp400Val; replaces aspartic acid 400 with valine.
Molecular consequence: missense variant. On other transcripts: intron variant (137).
Genome position (GRCh38, 1-based): chr17:43,094,332, T>A on the plus strand (A>T on the coding strand, the complement: BRCA1 is on the minus strand). VCF-style: chr17-43094332-T-A. GRCh37 (hg19) VCF-style: chr17-41246349-T-A.
Other names: c.986A>T, p.Asp329Val (NM_001407571.1, NM_001407853.1, NM_001407894.1 and 9 more transcripts); c.1199A>T, p.Asp400Val (NM_001407581.1, NM_001407582.1, NM_001407583.1 and 30 more transcripts); c.1196A>T, p.Asp399Val (NM_001407587.1, NM_001407590.1, NM_001407591.1 and 22 more transcripts); c.1190A>T, p.Asp397Val (NM_001407646.1, NM_001407647.1); c.1076A>T, p.Asp359Val (NM_001407648.1, NM_001407664.1, NM_001407665.1 and 19 more transcripts); c.1073A>T, p.Asp358Val (NM_001407649.1, NM_001407670.1, NM_001407671.1 and 11 more transcripts); c.1121A>T, p.Asp374Val (NM_001407653.1, NM_001407654.1, NM_001407655.1 and 4 more transcripts); c.1118A>T, p.Asp373Val (NM_001407659.1, NM_001407660.1, NM_001407661.1 and 1 more transcripts); and 40 more; short protein forms D353V, D400V, D273V, D311V, D332V, D352V, D373V, D104V.
Identifiers: ClinVar variation 1007698 (VCV001007698.22), dbSNP rs1555592245, ClinGen allele CA10599651.

ClinVar aggregate classification (germline): Conflicting classifications of pathogenicity. Review status: criteria provided, conflicting classifications (1 of 4 stars). 4 submissions from 4 submitters: Uncertain significance (3); Likely benign (1). Last evaluated 2025-05-16.

Conditions:
Hereditary breast ovarian cancer syndrome. Also called: BRCA1- and BRCA2-Associated Hereditary Breast and Ovarian Cancer; Hereditary breast and ovarian cancer; Hereditary breast and ovarian cancer syndrome; Breast and ovarian cancer; Hereditary breast and/or ovarian cancer syndrome; Hereditary breast and ovarian cancer syndrome (HBOC). Identifiers: Orphanet 145, MedGen C0677776, MeSH D061325, MONDO:0003582. Disease mechanism: loss of function.
Hereditary cancer-predisposing syndrome. Also called: Tumor predisposition; Hereditary neoplastic syndrome; Neoplastic Syndromes, Hereditary; Hereditary Cancer Syndrome. Identifiers: Orphanet 140162, MedGen C0027672, MeSH D009386, MONDO:0015356.

Submissions (4):

GeneDx
Classification: Uncertain significance. Last evaluated: 2025-05-16. Review status: criteria provided, single submitter. Criteria: GeneDx Variant Classification Process June 2021. Collection method: clinical testing. Allele origin: germline. Affected: yes.
Comment: Not observed at significant frequency in large population cohorts (gnomAD); In silico analysis supports that this missense variant has a deleterious effect on protein structure/function; Has not been previously published as pathogenic or benign to our knowledge; Also known as 1318A>T; This variant is associated with the following publications: (PMID: 20215511, 10426999, 9582019, 9926942, 15343273)

Ambry Genetics
Classification: Uncertain significance for Hereditary cancer-predisposing syndrome. Last evaluated: 2025-03-19. Review status: criteria provided, single submitter. Criteria: Ambry Variant Classification Scheme 2023. Collection method: clinical testing. Allele origin: germline.
Comment: The p.D400V variant (also known as c.1199A>T), located in coding exon 9 of the BRCA1 gene, results from an A to T substitution at nucleotide position 1199. The aspartic acid at codon 400 is replaced by valine, an amino acid with highly dissimilar properties. This amino acid position is not well conserved in available vertebrate species. In addition, the in silico prediction for this alteration is inconclusive. Since supporting evidence is limited at this time, the clinical significance of this alteration remains unclear.

University of Washington Department of Laboratory Medicine, University of Washington
Classification: Likely benign for Hereditary cancer-predisposing syndrome. Last evaluated: 2023-03-23. Review status: criteria provided, single submitter. Criteria: Dines et al. (Genet Med. 2020). Collection method: curation. Allele origin: germline.
Comment: Missense variant in a coldspot region where missense variants are very unlikely to be pathogenic (PMID:31911673).

BRCA1 coldspot (exon 11 using historical exon numbering). Reclassification based on statistical prior probability

Labcorp Genetics (formerly Invitae), Labcorp
Classification: Uncertain significance for Hereditary breast ovarian cancer syndrome. Last evaluated: 2021-10-31. Review status: criteria provided, single submitter. Criteria: Invitae Variant Classification Sherloc (09022015). Collection method: clinical testing. Allele origin: germline.
Comment: This variant is not present in population databases (gnomAD no frequency). This variant has not been reported in the literature in individuals affected with BRCA1-related conditions. ClinVar contains an entry for this variant (Variation ID: 1007698). Advanced modeling of protein sequence and biophysical properties (such as structural, functional, and spatial information, amino acid conservation, physicochemical variation, residue mobility, and thermodynamic stability) performed at Invitae indicates that this missense variant is not expected to disrupt BRCA1 protein function. In summary, the available evidence is currently insufficient to determine the role of this variant in disease. Therefore, it has been classified as a Variant of Uncertain Significance. This sequence change replaces aspartic acid, which is acidic and polar, with valine, which is neutral and non-polar, at codon 400 of the BRCA1 protein (p.Asp400Val).